The following is an entry in ClinVar:

NM_002113.3(CFHR1):c.326C>T (p.Thr109Ile)

Gene: CFHR1 (complement factor H related 1; plus strand). Cytogenetic location: 1q31.3.
Variant type: single nucleotide variant.
Coding change: c.326C>T on transcript NM_002113.3 (MANE Select); coding-DNA position 326, C replaced by T.
Protein change: p.Thr109Ile; replaces threonine 109 with isoleucine.
Molecular consequence: missense variant. On other transcripts: intron variant (1).
Genome position (GRCh38, 1-based): chr1:196,826,901, C>T. VCF-style: chr1-196826901-C-T. GRCh37 (hg19) VCF-style: chr1-196796031-C-T.
Other names: p.Thr109Ile; c.83C>T, p.Thr28Ile (NM_001379312.1); c.254-1196C>T (NM_001379311.1); c.275C>T, p.Thr92Ile (NM_001379306.1); c.164C>T, p.Thr55Ile (NM_001379307.1); c.161C>T, p.Thr54Ile (NM_001379308.1); c.158C>T, p.Thr53Ile (NM_001379309.1); c.131C>T, p.Thr44Ile (NM_001379310.1); short protein forms T109I, T28I, T44I, T53I, T54I, T55I, T92I.
Identifiers: ClinVar variation 4683960 (VCV004683960.1).

ClinVar aggregate classification (germline): Likely benign (1 of 4 stars; one submission).

gnomAD v4.1: 33 of 1,524,792 alleles (0.0022%); highest among the groups gnomAD compares: African/African-American, 0.014%; 8 homozygotes.

Submission:

Mayo Clinic Laboratories, Mayo Clinic
Classification: Likely benign. Last evaluated: 2024-12-23. Review status: criteria provided, single submitter. Criteria: ACMG Guidelines, 2015. Collection method: clinical testing. Allele origin: germline. Observed: 1 variant allele.
Comment: BP1, BP4